The following is an entry in ClinVar:

NM_004208.4(AIFM1):c.172G>A (p.Gly58Ser)

Genes: AIFM1 (apoptosis inducing factor mitochondria associated 1; minus strand), RAB33A (RAB33A, member RAS oncogene family; plus strand). Cytogenetic location: Xq26.1.
Variant type: single nucleotide variant.
Coding change: c.172G>A on transcript NM_004208.4 (MANE Select); coding-DNA position 172, G replaced by A.
Protein change: p.Gly58Ser; replaces glycine 58 with serine.
Molecular consequence: missense variant. On other transcripts: intron variant (1).
Genome position (GRCh38, 1-based): chrX:130,156,538, C>T on the plus strand (G>A on the coding strand, the complement: AIFM1 is on the minus strand). VCF-style: chrX-130156538-C-T. GRCh37 (hg19) VCF-style: chrX-129290512-C-T.
Other names: c.172G>A, p.Gly58Ser (NM_001130847.4); c.107-1252G>A (NM_145812.3); short protein forms G58S.
Identifiers: ClinVar variation 4788093 (VCV004788093.2).

ClinVar aggregate classification (germline): Uncertain significance. Review status: criteria provided, multiple submitters, no conflicts (2 of 4 stars). 2 submissions from 2 submitters: Uncertain significance (2). Last evaluated 2025-03-24.

Conditions:
Charcot-Marie-Tooth Neuropathy X. Identifiers: MedGen CN118851.
Combined oxidative phosphorylation deficiency. Identifiers: MedGen C4540031, MONDO:0000732.

gnomAD v4.1: 4 of 1,211,482 alleles (0.00033%); highest among the groups gnomAD compares: Non-Finnish European, 0.00045%; no homozygotes.

Submissions (2):

Labcorp Genetics (formerly Invitae), Labcorp
Classification: Uncertain significance for Charcot-Marie-Tooth Neuropathy X; Combined oxidative phosphorylation deficiency. Last evaluated: 2025-03-24. Review status: criteria provided, single submitter. Criteria: Invitae Variant Classification Sherloc (09022015). Collection method: clinical testing. Allele origin: germline.
Comment: This sequence change replaces glycine, which is neutral and non-polar, with serine, which is neutral and polar, at codon 58 of the AIFM1 protein (p.Gly58Ser). This variant is not present in population databases (gnomAD no frequency). This variant has not been reported in the literature in individuals affected with AIFM1-related conditions. Invitae Evidence Modeling of protein sequence and biophysical properties (such as structural, functional, and spatial information, amino acid conservation, physicochemical variation, residue mobility, and thermodynamic stability) indicates that this missense variant is not expected to disrupt AIFM1 protein function with a negative predictive value of 95%. In summary, the available evidence is currently insufficient to determine the role of this variant in disease. Therefore, it has been classified as a Variant of Uncertain Significance.

Blueprint Genetics
Classification: Uncertain significance. Last evaluated: 2021-08-25. Review status: criteria provided, single submitter. Criteria: ACMG Guidelines, 2015. Collection method: clinical testing. Allele origin: germline.